The following is an entry in ClinVar:

NM_153460.4(IL17RC):c.105+124G>A

Gene: IL17RC (interleukin 17 receptor C; plus strand). Cytogenetic location: 3p25.3.
Variant type: single nucleotide variant.
Coding change: c.105+124G>A on transcript NM_153460.4 (MANE Select); 124 bases into the intron after coding-DNA position 105, G replaced by A.
Molecular consequence: intron variant. On other transcripts: missense variant (1).
Genome position (GRCh38, 1-based): chr3:9,917,544, G>A. VCF-style: chr3-9917544-G-A. GRCh37 (hg19) VCF-style: chr3-9959228-G-A.
Other names: c.229G>A, p.Ala77Thr (NM_153461.4); c.105+124G>A (NM_001203263.2, NM_001203264.2, NM_001367278.1 and 5 more transcripts); short protein forms A77T.
Identifiers: ClinVar variation 3019673 (VCV003019673.3), dbSNP rs769926895, ClinGen allele CA2246678.

ClinVar aggregate classification (germline): Uncertain significance (1 of 4 stars; one submission).

Conditions:
Candidiasis, familial, 9 (CANDF9). Identifiers: Orphanet 1334, MedGen C4225324, MONDO:0014642, OMIM 616445.

Allele frequency attached by ClinVar (database versions not stated): gnomAD 0.00001.

Submission:

Labcorp Genetics (formerly Invitae), Labcorp
Classification: Uncertain significance for Candidiasis, familial, 9. Last evaluated: 2024-11-03. Review status: criteria provided, single submitter. Criteria: Invitae Variant Classification Sherloc (09022015). Collection method: clinical testing. Allele origin: germline.
Comment: This sequence change replaces alanine, which is neutral and non-polar, with threonine, which is neutral and polar, at codon 77 of the IL17RC protein (p.Ala77Thr). This variant is present in population databases (rs769926895, gnomAD 0.002%). This variant has not been reported in the literature in individuals affected with IL17RC-related conditions. ClinVar contains an entry for this variant (Variation ID: 3019673). An algorithm developed to predict the effect of missense changes on protein structure and function outputs the following: PolyPhen-2: "Benign". The threonine amino acid residue is found in multiple mammalian species, which suggests that this missense change does not adversely affect protein function. In summary, the available evidence is currently insufficient to determine the role of this variant in disease. Therefore, it has been classified as a Variant of Uncertain Significance.